The following is an entry in ClinVar:

ClinVar aggregate classification (germline): Uncertain significance (1 of 4 stars; one submission).

Conditions:
Arrhythmogenic right ventricular dysplasia 13. Also called: Arrhythmogenic right ventricular dysplasia, familial, 13; ARRHYTHMOGENIC RIGHT VENTRICULAR CARDIOMYOPATHY 13. Identifiers: MedGen C3810138, MONDO:0000908, OMIM 615616.

Submission:

Labcorp Genetics (formerly Invitae), Labcorp
Classification: Uncertain significance for Arrhythmogenic right ventricular dysplasia 13. Last evaluated: 2024-01-22. Review status: criteria provided, single submitter. Criteria: Invitae Variant Classification Sherloc (09022015). Collection method: clinical testing. Allele origin: germline.
Comment: This variant results in a copy number gain of the genomic region encompassing exon(s) 2-3 of the CTNNA3 gene. This region includes the initiator codon of the gene. This copy number gain extends beyond the assayed region for this gene and therefore may encompass additional genes. As the precise location of this event is unknown, it may be in tandem or it may be located elsewhere in the genome. This variant has not been reported in the literature in individuals affected with CTNNA3-related conditions. Experimental studies and prediction algorithms are not available or were not evaluated, and the functional significance of this variant is currently unknown. In summary, the available evidence is currently insufficient to determine the role of this variant in disease. Therefore, it has been classified as a Variant of Uncertain Significance.

NC_000010.10:g.(?_69366595)_(69407271_?)dup

Gene: CTNNA3 (catenin alpha 3; minus strand). Cytogenetic location: 10q21.3.
Variant type: Duplication.
Identifiers: ClinVar variation 1411745 (VCV001411745.5).